The following is an entry in ClinVar:

ClinVar aggregate classification (germline): Uncertain significance (1 of 4 stars; one submission).

Conditions:
Niemann-Pick disease, type C1. Also called: NIEMANN-PICK DISEASE, VARIANT TYPE C1; NEUROVISCERAL STORAGE DISEASE WITH VERTICAL SUPRANUCLEAR OPHTHALMOPLEGIA; NIEMANN-PICK DISEASE WITH CHOLESTEROL ESTERIFICATION BLOCK; NIEMANN-PICK DISEASE WITHOUT SPHINGOMYELINASE DEFICIENCY; NIEMANN-PICK DISEASE, CHRONIC NEURONOPATHIC FORM. Identifiers: Orphanet 646, MedGen C3179455, MONDO:0009757, OMIM 257220.

Submission:

Labcorp Genetics (formerly Invitae), Labcorp
Classification: Uncertain significance for Niemann-Pick disease, type C1. Last evaluated: 2022-06-19. Review status: criteria provided, single submitter. Criteria: Invitae Variant Classification Sherloc (09022015). Collection method: clinical testing. Allele origin: germline.
Comment: This variant has not been reported in the literature in individuals affected with NPC1-related conditions. This sequence change falls in intron 5 of the NPC1 gene. It does not directly change the encoded amino acid sequence of the NPC1 protein. This variant is not present in population databases (gnomAD no frequency). Algorithms developed to predict the effect of sequence changes on RNA splicing suggest that this variant may create or strengthen a splice site. In summary, the available evidence is currently insufficient to determine the role of this variant in disease. Therefore, it has been classified as a Variant of Uncertain Significance.

NM_000271.5(NPC1):c.632-5T>A

Gene: NPC1 (NPC intracellular cholesterol transporter 1; minus strand). Cytogenetic location: 18q11.2.
Variant type: single nucleotide variant.
Coding change: c.632-5T>A on transcript NM_000271.5 (MANE Select); 5 bases into the intron before coding-DNA position 632, T replaced by A.
Molecular consequence: intron variant.
Genome position (GRCh38, 1-based): chr18:23,560,485, A>T on the plus strand (T>A on the coding strand, the complement: NPC1 is on the minus strand). VCF-style: chr18-23560485-A-T. GRCh37 (hg19) VCF-style: chr18-21140449-A-T.
Identifiers: ClinVar variation 2005970 (VCV002005970.4), dbSNP rs2145481075, ClinGen allele CA2580095630.